The following is an entry in ClinVar:

NM_172351.3(CD46):c.148C>A (p.Pro50Thr)

Gene: CD46 (CD46 molecule; plus strand). Cytogenetic location: 1q32.2.
Variant type: single nucleotide variant.
Coding change: c.148C>A on transcript NM_172351.3 (MANE Select); coding-DNA position 148, C replaced by A.
Protein change: p.Pro50Thr; replaces proline 50 with threonine.
Molecular consequence: missense variant.
Genome position (GRCh38, 1-based): chr1:207,757,064, C>A. VCF-style: chr1-207757064-C-A. GRCh37 (hg19) VCF-style: chr1-207930409-C-A.
Other names: c.148C>A, p.Pro50Thr (NM_002389.4, NM_153826.4, NM_172350.3 and 8 more transcripts); short protein forms P50T.
Identifiers: ClinVar variation 4291242 (VCV004291242.1).
Genomic context (GRCh38, chr1:207,757,064, plus strand): 5'-TTATCCCTAGATGCCTGTGAGGAGCCACCAACATTTGAAGCTATGGAGCTCATTGGTAAA[C>A]CAAAACCCTACTATGAGATTGGTGAACGAGTAGATTATAAGTGTAAAAAAGGATACTTCT-3'
Protein context (NP_758861.1, residues 40-60): TFEAMELIGK[Pro50Thr]KPYYEIGERV

ClinVar aggregate classification (germline): Uncertain significance (1 of 4 stars; one submission).

Conditions:
Atypical hemolytic-uremic syndrome. Identifiers: Orphanet 2134, MedGen C2931788, MONDO:0016244.

Submission:

Genomenon, Inc
Classification: Uncertain significance for Atypical hemolytic-uremic syndrome. Last evaluated: 2025-10-02. Review status: criteria provided, single submitter. Criteria: Genomenon Sequence Variant Interpretation Standards. Collection method: curation. Allele origin: germline. Affected: yes.
Comment: CD46 p.Pro50Thr (c.148C>A) is a missense variant that changes the amino acid at residue 50 from Proline to Threonine. This variant has been observed in at least one proband affected with atypical hemolytic-uremic syndrome (PMID:20595690). It is absent or not present at a significant frequency in gnomAD. In conclusion, we classify CD46 p.Pro50Thr (c.148C>A) as a variant of uncertain significance.

Literature cited by the submitters: PubMed 20595690.